The following is an entry in ClinVar:

ClinVar aggregate classification (germline): Uncertain significance. Review status: criteria provided, multiple submitters, no conflicts (2 of 4 stars). 2 submissions from 2 submitters: Uncertain significance (2). Last evaluated 2024-01-24.

Conditions:
Hyper-IgE recurrent infection syndrome 3, autosomal recessive. Also called: Autosomal recessive hyper-IgE syndrome due to ZNF341 deficiency; HYPER-IgE SYNDROME 3, AUTOSOMAL RECESSIVE, WITH RECURRENT INFECTIONS. Identifiers: Orphanet 641368, MedGen C4748969, MONDO:0032654, OMIM 618282.
Inborn genetic diseases. Identifiers: MedGen C0950123, MeSH D030342.

Allele frequency attached by ClinVar (database versions not stated): gnomAD 0.00005 and 0.00006; ExAC 0.00007; TOPMed 0.00008.
gnomAD v4.1: 166 of 1,614,058 alleles (0.01%); highest among the groups gnomAD compares: Middle Eastern, 0.033%; 1 homozygote.

Submissions (2):

Labcorp Genetics (formerly Invitae), Labcorp
Classification: Uncertain significance for Combined immunodeficiency due to DOCK8 deficiency. Last evaluated: 2024-01-24. Review status: criteria provided, single submitter. Criteria: Invitae Variant Classification Sherloc (09022015). Collection method: clinical testing. Allele origin: germline.
Comment: This sequence change replaces threonine, which is neutral and polar, with methionine, which is neutral and non-polar, at codon 2036 of the DOCK8 protein (p.Thr2036Met). This variant is present in population databases (rs767198480, gnomAD 0.02%), including at least one homozygous and/or hemizygous individual. This variant has not been reported in the literature in individuals affected with DOCK8-related conditions. ClinVar contains an entry for this variant (Variation ID: 859983). Advanced modeling of protein sequence and biophysical properties (such as structural, functional, and spatial information, amino acid conservation, physicochemical variation, residue mobility, and thermodynamic stability) performed at Invitae indicates that this missense variant is not expected to disrupt DOCK8 protein function with a negative predictive value of 80%. In summary, the available evidence is currently insufficient to determine the role of this variant in disease. Therefore, it has been classified as a Variant of Uncertain Significance.

Ambry Genetics
Classification: Uncertain significance for Inborn genetic diseases. Last evaluated: 2022-06-24. Review status: criteria provided, single submitter. Criteria: Ambry Variant Classification Scheme 2023. Collection method: clinical testing. Allele origin: germline.

NM_203447.4(DOCK8):c.6107C>T (p.Thr2036Met)

Gene: DOCK8 (dedicator of cytokinesis 8; plus strand). Cytogenetic location: 9p24.3.
Variant type: single nucleotide variant.
Coding change: c.6107C>T on transcript NM_203447.4 (MANE Select); coding-DNA position 6107, C replaced by T.
Protein change: p.Thr2036Met; replaces threonine 2036 with methionine.
Molecular consequence: missense variant.
Genome position (GRCh38, 1-based): chr9:463,555, C>T. VCF-style: chr9-463555-C-T. GRCh37 (hg19) VCF-style: chr9-463555-C-T.
Other names: c.5807C>T, p.Thr1936Met (NM_001190458.2); c.5903C>T, p.Thr1968Met (NM_001193536.2); short protein forms T1936M, T1968M, T2036M.
Identifiers: ClinVar variation 859983 (VCV000859983.6), dbSNP rs767198480, ClinGen allele CA4959686.